The following is an entry in ClinVar:

ClinVar aggregate classification (germline): Uncertain significance (1 of 4 stars; one submission).

Submission:

Labcorp Genetics (formerly Invitae), Labcorp
Classification: Uncertain significance. Last evaluated: 2022-02-21. Review status: criteria provided, single submitter. Criteria: Invitae Variant Classification Sherloc (09022015). Collection method: clinical testing. Allele origin: germline.
Comment: This sequence change replaces valine, which is neutral and non-polar, with alanine, which is neutral and non-polar, at codon 126 of the TK2 protein (p.Val126Ala). This variant is not present in population databases (gnomAD no frequency). This variant has not been reported in the literature in individuals affected with TK2-related conditions. Algorithms developed to predict the effect of missense changes on protein structure and function (SIFT, PolyPhen-2, Align-GVGD) all suggest that this variant is likely to be tolerated. In summary, the available evidence is currently insufficient to determine the role of this variant in disease. Therefore, it has been classified as a Variant of Uncertain Significance.

NM_004614.5(TK2):c.377T>C (p.Val126Ala)

Gene: TK2 (thymidine kinase 2; minus strand). Cytogenetic location: 16q21.
Variant type: single nucleotide variant.
Coding change: c.377T>C on transcript NM_004614.5 (MANE Select); coding-DNA position 377, T replaced by C.
Protein change: p.Val126Ala; replaces valine 126 with alanine.
Molecular consequence: missense variant. On other transcripts: non-coding transcript variant (1).
Genome position (GRCh38, 1-based): chr16:66,529,066, A>G on the plus strand (T>C on the coding strand, the complement: TK2 is on the minus strand). VCF-style: chr16-66529066-A-G. GRCh37 (hg19) VCF-style: chr16-66562969-A-G.
Other names: c.284T>C, p.Val95Ala (NM_001172643.1, NM_001271935.1); c.302T>C, p.Val101Ala (NM_001172644.2); c.323T>C, p.Val108Ala (NM_001172645.2); c.230T>C, p.Val77Ala (NM_001271934.2); c.86T>C, p.Val29Ala (NM_001272050.2); short protein forms V101A, V29A, V95A, V108A, V77A, V126A.
Identifiers: ClinVar variation 1400990 (VCV001400990.6), dbSNP rs2144400426, ClinGen allele CA396190026.